The following is an entry in ClinVar:

NM_138386.3(NAF1):c.1030C>T (p.Pro344Ser)

Gene: NAF1 (nuclear assembly factor 1 ribonucleoprotein; minus strand). Cytogenetic location: 4q32.2.
Variant type: single nucleotide variant.
Coding change: c.1030C>T on transcript NM_138386.3 (MANE Select); coding-DNA position 1030, C replaced by T.
Protein change: p.Pro344Ser; replaces proline 344 with serine.
Molecular consequence: missense variant.
Genome position (GRCh38, 1-based): chr4:163,133,157, G>A on the plus strand (C>T on the coding strand, the complement: NAF1 is on the minus strand). VCF-style: chr4-163133157-G-A. GRCh37 (hg19) VCF-style: chr4-164054309-G-A.
Other names: c.1030C>T, p.Pro344Ser (NM_001128931.2); short protein forms P344S.
Identifiers: ClinVar variation 3022960 (VCV003022960.3), dbSNP rs370518943, ClinGen allele CA3126193.

ClinVar aggregate classification (germline): Uncertain significance (1 of 4 stars; one submission).

Allele frequency attached by ClinVar (database versions not stated): gnomAD 0.00003; ESP Exome Variant Server 0.00008.
gnomAD v4.1: 22 of 1,610,630 alleles (0.0014%); highest among the groups gnomAD compares: Non-Finnish European, 0.0019%; no homozygotes.

Submission:

Labcorp Genetics (formerly Invitae), Labcorp
Classification: Uncertain significance. Last evaluated: 2025-09-05. Review status: criteria provided, single submitter. Criteria: Invitae Variant Classification Sherloc (09022015). Collection method: clinical testing. Allele origin: germline.
Comment: This sequence change replaces proline, which is neutral and non-polar, with serine, which is neutral and polar, at codon 344 of the NAF1 protein (p.Pro344Ser). This variant is present in population databases (rs370518943, gnomAD 0.002%). This variant has not been reported in the literature in individuals affected with NAF1-related conditions. ClinVar contains an entry for this variant (Variation ID: 3022960). An algorithm developed to predict the effect of missense changes on protein structure and function outputs the following: PolyPhen-2: "Benign". The serine amino acid residue is found in multiple mammalian species, which suggests that this missense change does not adversely affect protein function. In summary, the available evidence is currently insufficient to determine the role of this variant in disease. Therefore, it has been classified as a Variant of Uncertain Significance.